The following is an entry in ClinVar:

NM_177438.3(DICER1):c.5527+10G>C

Gene: DICER1 (dicer 1, ribonuclease III; minus strand). Cytogenetic location: 14q32.13.
Variant type: single nucleotide variant.
Coding change: c.5527+10G>C on transcript NM_177438.3 (MANE Select); 10 bases into the intron after coding-DNA position 5527, G replaced by C.
Molecular consequence: intron variant.
Genome position (GRCh38, 1-based): chr14:95,091,193, C>G on the plus strand (G>C on the coding strand, the complement: DICER1 is on the minus strand). VCF-style: chr14-95091193-C-G. GRCh37 (hg19) VCF-style: chr14-95557530-C-G.
Other names: c.5527+10G>C (NM_001291628.2, NM_030621.4, NM_001271282.3); c.5365-84G>C (NM_001195573.1).
Identifiers: ClinVar variation 1153963 (VCV001153963.11), dbSNP rs764254400, ClinGen allele CA2499222789.
Genomic context (GRCh38, chr14:95,091,193, plus strand): 5'-TATGAATAATATCTCTGAAGTTGTTTTTAATTTTGTGGGTTTTTTTCTTTCTAAAGGGAG[C>G]CAACAATACCTATTAGTGGCCGCATCATGGGATAGTACACCTGCCAGACTGTCTCCAGTG-3'

ClinVar aggregate classification (germline): Likely benign. Review status: criteria provided, multiple submitters, no conflicts (2 of 4 stars). 2 submissions from 2 submitters: Likely benign (2). Last evaluated 2026-04-14.

Conditions:
DICER1-related tumor predisposition. Also called: DICER1 syndrome; DICER1-related pleuropulmonary blastoma cancer predisposition syndrome. Identifiers: Orphanet 284343, MedGen C3839822, MONDO:0100216.

Submissions (2):

Myriad Genetics, Inc.
Classification: Likely benign for DICER1-related tumor predisposition. Last evaluated: 2026-04-14. Review status: criteria provided, single submitter. Criteria: Myriad Autosomal Dominant, Autosomal Recessive and X-Linked Classification Criteria (2023). Collection method: clinical testing. Allele origin: unknown.
Comment: This variant is considered likely benign. This variant is intronic and is not expected to impact mRNA splicing.

Labcorp Genetics (formerly Invitae), Labcorp
Classification: Likely benign for DICER1-related tumor predisposition. Last evaluated: 2024-08-01. Review status: criteria provided, single submitter. Criteria: Invitae Variant Classification Sherloc (09022015). Collection method: clinical testing. Allele origin: germline.